The following is an entry in ClinVar:

ClinVar aggregate classification (germline): Uncertain significance (1 of 4 stars; one submission).

Conditions:
Dilated cardiomyopathy 1W (CMD1W). Identifiers: Orphanet 154, MedGen C1969639, MONDO:0012667, OMIM 611407.

Allele frequency attached by ClinVar (database versions not stated): gnomAD exomes below 0.00001.
gnomAD v4.1: 3 of 1,577,350 alleles (0.00019%); highest among the groups gnomAD compares: East Asian, 0.0024%; no homozygotes.

Submission:

Labcorp Genetics (formerly Invitae), Labcorp
Classification: Uncertain significance for Dilated cardiomyopathy 1W. Last evaluated: 2022-03-19. Review status: criteria provided, single submitter. Criteria: Invitae Variant Classification Sherloc (09022015). Collection method: clinical testing. Allele origin: germline.
Comment: In summary, the available evidence is currently insufficient to determine the role of this variant in disease. Therefore, it has been classified as a Variant of Uncertain Significance. Algorithms developed to predict the effect of missense changes on protein structure and function are either unavailable or do not agree on the potential impact of this missense change (SIFT: "Not Available"; PolyPhen-2: "Probably Damaging"; Align-GVGD: "Not Available"). ClinVar contains an entry for this variant (Variation ID: 408943). This variant has not been reported in the literature in individuals affected with VCL-related conditions. This variant is not present in population databases (gnomAD no frequency). This sequence change replaces proline, which is neutral and non-polar, with leucine, which is neutral and non-polar, at codon 38 of the VCL protein (p.Pro38Leu).

NM_014000.3(VCL):c.113C>T (p.Pro38Leu)

Genes: VCL (vinculin; plus strand), LOC130004109 (ATAC-STARR-seq lymphoblastoid active region 3587; plus strand). Cytogenetic location: 10q22.2.
Variant type: single nucleotide variant.
Coding change: c.113C>T on transcript NM_014000.3 (MANE Select); coding-DNA position 113, C replaced by T.
Protein change: p.Pro38Leu; replaces proline 38 with leucine.
Molecular consequence: missense variant.
Genome position (GRCh38, 1-based): chr10:73,998,320, C>T. VCF-style: chr10-73998320-C-T. GRCh37 (hg19) VCF-style: chr10-75758078-C-T.
Other names: c.113C>T, p.Pro38Leu (NM_003373.4); short protein forms P38L.
Identifiers: ClinVar variation 408943 (VCV000408943.9), dbSNP rs1060502194, ClinGen allele CA16612941.